The following is an entry in ClinVar:

ClinVar aggregate classification (germline): Uncertain significance (1 of 4 stars; one submission).

Conditions:
Brugada syndrome 8 (BRGDA8). Identifiers: Orphanet 130, MedGen C2751083, MONDO:0013148, OMIM 613123.

Submission:

Labcorp Genetics (formerly Invitae), Labcorp
Classification: Uncertain significance for Brugada syndrome 8. Last evaluated: 2020-02-19. Review status: criteria provided, single submitter. Criteria: Invitae Variant Classification Sherloc (09022015). Collection method: clinical testing. Allele origin: germline.
Comment: In summary, the available evidence is currently insufficient to determine the role of this variant in disease. Therefore, it has been classified as a Variant of Uncertain Significance. This variant is not present in population databases (ExAC no frequency). Algorithms developed to predict the effect of missense changes on protein structure and function are either unavailable or do not agree on the potential impact of this missense change (SIFT: "Tolerated"; PolyPhen-2: "Not Available"; Align-GVGD: "Class C0"). This variant has not been reported in the literature in individuals with HCN4-related conditions. This sequence change replaces serine with asparagine at codon 872 of the HCN4 protein (p.Ser872Asn). The serine residue is moderately conserved and there is a small physicochemical difference between serine and asparagine.

NM_005477.3(HCN4):c.2615G>A (p.Ser872Asn)

Gene: HCN4 (hyperpolarization activated cyclic nucleotide gated potassium channel 4; minus strand). Cytogenetic location: 15q24.1.
Variant type: single nucleotide variant.
Coding change: c.2615G>A on transcript NM_005477.3 (MANE Select); coding-DNA position 2615, G replaced by A.
Protein change: p.Ser872Asn; replaces serine 872 with asparagine.
Molecular consequence: missense variant.
Genome position (GRCh38, 1-based): chr15:73,323,478, C>T on the plus strand (G>A on the coding strand, the complement: HCN4 is on the minus strand). VCF-style: chr15-73323478-C-T. GRCh37 (hg19) VCF-style: chr15-73615819-C-T.
Other names: short protein forms S872N.
Identifiers: ClinVar variation 1015240 (VCV001015240.9), dbSNP rs2042877637, ClinGen allele CA393088547.
Genomic context (GRCh38, chr15:73,323,478, plus strand): 5'-GCCGAGGGGGAGCCACAGGCCCCGGGGGGTGGGGAGGAGCTGGATGAGGGCAGGAGTGGG[C>T]TCAGTCCAGCGGGGGCAGAGAATCCAGCCAGCTGTTGGATGTGGAAGGAGGATGAAGACG-3'
Protein context (NP_005468.1, residues 862-882): LAGFSAPAGL[Ser872Asn]PLLPSSSSSP